The following is an entry in ClinVar:

ClinVar aggregate classification (germline): Pathogenic (1 of 4 stars; one submission).

Conditions:
Retinoblastoma (RB1). Also called: RETINOBLASTOMA, SOMATIC. Identifiers: Orphanet 790, MedGen C0035335, MeSH D012175, MONDO:0008380, OMIM 180200, HP:0009919. Disease mechanism: loss of function. Inheritance: Both sporadic and heritable forms are tested..

Submission:

Genetic Diagnostic Laboratory, University of Pennsylvania School of Medicine
Classification: Pathogenic for Retinoblastoma. Last evaluated: 2024-05-20. Review status: criteria provided, single submitter. Criteria: ACMG Guidelines, 2015. Collection method: clinical testing. Allele origin: germline. Affected: yes. Observed: 1 variant allele.
Comment: Case and Pedigree Information: BILATERAL CASES:1, UNILATERAL CASES:0, TOTAL CASES:1, PEDIGREES:1. ACMG Codes Applied:PVS1, PM2

NM_000321.3(RB1):c.1390del

Gene: RB1 (RB transcriptional corepressor 1; plus strand). Cytogenetic location: 13q14.2.
Variant type: Deletion.
Coding change: c.1390del on transcript NM_000321.3 (MANE Select); coding-DNA position 1390, one base deleted (G; older notation c.1390delG).
Molecular consequence: splice acceptor variant.
Genome position (GRCh38, 1-based): chr13:48,380,053, G deleted; the last of 2 consecutive G bases (chr13:48,380,052-48,380,053); deleting either gives the same sequence. VCF-style (leftmost placement, unchanged base first): chr13-48380051-AG-A. GRCh37 (hg19) VCF-style: chr13-48954187-AG-A.
Identifiers: ClinVar variation 3236980 (VCV003236980.1), dbSNP rs2542204075.
Genomic context (GRCh38, chr13:48,380,051, plus strand): 5'-CTGACACAAATAAGGTTTCAATTAAACAACTTCTTTTTTTTTTTTTAAATTATCTGTTTC[AG>A]GAAGAAGAACGATTATCCATTCAAAATTTTAGGTAAATTTTTTACTTTTAGTAAAAAATT-3'